The following is an entry in ClinVar:

ClinVar aggregate classification (germline): Uncertain significance (1 of 4 stars; one submission).

Conditions:
Ariboflavinosis. Identifiers: MedGen C5779638, MONDO:0004573, OMIM 615026.

Submission:

ARUP Laboratories, Molecular Genetics and Genomics, ARUP Laboratories
Classification: Uncertain significance for Ariboflavinosis. Last evaluated: 2023-10-16. Review status: criteria provided, single submitter. Criteria: ARUP Molecular Germline Variant Investigation Process 2024. Collection method: clinical testing. Allele origin: germline.
Comment: The SLC52A1 c.289C>T; p.Pro97Ser variant (rs1975401777), to our knowledge, is not reported in the medical literature or gene specific databases. This variant is also absent from the Genome Aggregation Database, indicating it is not a common polymorphism. Computational analyses predict that this variant is neutral (REVEL: 0.079). Due to limited information, the clinical significance of this variant is uncertain at this time.

NM_017986.4(SLC52A1):c.289C>T (p.Pro97Ser)

Gene: SLC52A1 (solute carrier family 52 member 1; minus strand). Cytogenetic location: 17p13.2.
Variant type: single nucleotide variant.
Coding change: c.289C>T on transcript NM_017986.4 (MANE Select); coding-DNA position 289, C replaced by T.
Protein change: p.Pro97Ser; replaces proline 97 with serine.
Molecular consequence: missense variant.
Genome position (GRCh38, 1-based): chr17:5,034,200, G>A on the plus strand (C>T on the coding strand, the complement: SLC52A1 is on the minus strand). VCF-style: chr17-5034200-G-A. GRCh37 (hg19) VCF-style: chr17-4937495-G-A.
Other names: c.289C>T, p.Pro97Ser (NM_001104577.2); short protein forms P97S.
Identifiers: ClinVar variation 2921231 (VCV002921231.1), dbSNP rs1975401777, ClinGen allele CA397332105.